The following is an entry in ClinVar:

ClinVar aggregate classification (germline): Uncertain significance. Review status: criteria provided, multiple submitters, no conflicts (2 of 4 stars). 2 submissions from 2 submitters: Uncertain significance (2). Last evaluated 2025-12-16.

Conditions:
Familial thoracic aortic aneurysm and aortic dissection (TAAD). Also called: Thoracic aortic aneurysms and dissections. Identifiers: Orphanet 91387, MedGen C4707243, MONDO:0019625.

Allele frequency attached by ClinVar (database versions not stated): gnomAD exomes below 0.00001; ExAC 0.00001; gnomAD 0.00001 and 0.00002; TOPMed 0.00001; 1000 Genomes Project 0.00040; 1000 Genomes Project 30x 0.00047.
gnomAD v4.1: 11 of 1,614,092 alleles (0.00068%); highest among the groups gnomAD compares: Middle Eastern, 0.017%; no homozygotes.

Submissions (2):

Ambry Genetics
Classification: Uncertain significance for Familial thoracic aortic aneurysm and aortic dissection. Last evaluated: 2025-12-16. Review status: criteria provided, single submitter. Criteria: Ambry Variant Classification Scheme 2023. Collection method: clinical testing. Allele origin: germline.
Comment: The p.L1275F variant (also known as c.3823C>T), located in coding exon 51 of the COL5A2 gene, results from a C to T substitution at nucleotide position 3823. The leucine at codon 1275 is replaced by phenylalanine, an amino acid with highly similar properties. This amino acid position is conserved. In addition, this alteration is predicted to be deleterious by in silico analysis. Based on the available evidence, the clinical significance of this variant remains unclear.

AiLife Diagnostics
Classification: Uncertain significance. Last evaluated: 2022-01-07. Review status: criteria provided, single submitter. Criteria: ACMG Guidelines, 2015. Collection method: clinical testing. Allele origin: germline. Affected: yes. Observed: 1 variant allele.

NM_000393.5(COL5A2):c.3823C>T (p.Leu1275Phe)

Gene: COL5A2 (collagen type V alpha 2 chain; minus strand). Cytogenetic location: 2q32.2.
Variant type: single nucleotide variant.
Coding change: c.3823C>T on transcript NM_000393.5 (MANE Select); coding-DNA position 3823, C replaced by T.
Protein change: p.Leu1275Phe; replaces leucine 1275 with phenylalanine.
Molecular consequence: missense variant.
Genome position (GRCh38, 1-based): chr2:189,039,374, G>A on the plus strand (C>T on the coding strand, the complement: COL5A2 is on the minus strand). VCF-style: chr2-189039374-G-A. GRCh37 (hg19) VCF-style: chr2-189904100-G-A.
Other names: c.3823C>T (NM_000393.3); short protein forms L1275F.
Identifiers: ClinVar variation 1677792 (VCV001677792.2), dbSNP rs570175207, ClinGen allele CA2021913.
Genomic context (GRCh38, chr2:189,039,374, plus strand): 5'-TGCGGGCTGGGTGCTTTTTCGAGCCATCGGGGCTGCGCATGGTTTCAATCTGACTACTGA[G>A]TGACTTCAGGGTAGCATGAACCCCTGGGTCCGTTTTGTTTTTGTCATCAGGAGCCGCCTG-3'
Protein context (NP_000384.2, residues 1265-1285): DPGVHATLKS[Leu1275Phe]SSQIETMRSP